The following is an entry in ClinVar:

NM_021098.3(CACNA1H):c.3300C>T (p.Leu1100=)

Gene: CACNA1H (calcium voltage-gated channel subunit alpha1 H; plus strand). Cytogenetic location: 16p13.3.
Variant type: single nucleotide variant.
Coding change: c.3300C>T on transcript NM_021098.3 (MANE Select); coding-DNA position 3300, C replaced by T.
Protein change: p.Leu1100=; no amino-acid change (leucine 1100 retained).
Molecular consequence: synonymous variant.
Genome position (GRCh38, 1-based): chr16:1,208,158, C>T. VCF-style: chr16-1208158-C-T. GRCh37 (hg19) VCF-style: chr16-1258158-C-T.
Other names: c.3300C>T, p.Leu1100= (NM_001005407.2).
Identifiers: ClinVar variation 460083 (VCV000460083.37), dbSNP rs568667163, ClinGen allele CA7800711.

ClinVar aggregate classification (germline): Benign/Likely benign. Review status: criteria provided, multiple submitters, no conflicts (2 of 4 stars). 4 submissions from 4 submitters: Benign (2); Likely benign (2). Last evaluated 2026-02-01.

Conditions:
Epilepsy, childhood absence, susceptibility to, 6. Identifiers: Orphanet 64280, MedGen C2749872, MONDO:0012763, OMIM 611942.
Hyperaldosteronism, familial, type IV (HALD4). Also called: FH IV; ALDOSTERONISM, PRIMARY, AND HYPERTENSION. Identifiers: Orphanet 642671, MedGen C4310756, MONDO:0014875, OMIM 617027.
Idiopathic generalized epilepsy. Also called: EIG; Generalised epilepsy. Identifiers: MedGen C0270850, MONDO:0005579, OMIM 600669.

Allele frequency attached by ClinVar (database versions not stated): gnomAD exomes 0.00008 and 0.00045; gnomAD 0.00009; 1000 Genomes Project 30x 0.00016; 1000 Genomes Project 0.00020; TOPMed 0.00028; ExAC 0.00044.
gnomAD v4.1: 121 of 1,576,016 alleles (0.0077%); highest among the groups gnomAD compares: Admixed American, 0.21%; 1 homozygote.

Submissions (4):

Labcorp Genetics (formerly Invitae), Labcorp
Classification: Benign for Idiopathic generalized epilepsy; Hyperaldosteronism, familial, type IV. Last evaluated: 2026-02-01. Review status: criteria provided, single submitter. Criteria: Invitae Variant Classification Sherloc (09022015). Collection method: clinical testing. Allele origin: germline.

Blueprint Genetics
Classification: Likely benign. Last evaluated: 2023-04-25. Review status: criteria provided, single submitter. Criteria: ACMG Guidelines, 2015. Collection method: clinical testing. Allele origin: germline.

CeGaT Center for Human Genetics Tuebingen
Classification: Likely benign. Last evaluated: 2023-01-01. Review status: criteria provided, single submitter. Criteria: CeGaT Center For Human Genetics Tuebingen Variant Classification Criteria Version 2. Collection method: clinical testing. Allele origin: germline. Affected: yes. Observed: 1 variant allele.
Comment: CACNA1H: BP4, BP7

Fulgent Genetics
Classification: Benign for Epilepsy, childhood absence, susceptibility to, 6; Hyperaldosteronism, familial, type IV. Last evaluated: 2021-10-17. Review status: criteria provided, single submitter. Criteria: ACMG Guidelines, 2015. Collection method: clinical testing. Allele origin: unknown.